The following is an entry in ClinVar:

NM_004104.5(FASN):c.2825G>C (p.Arg942Pro)

Gene: FASN (fatty acid synthase; minus strand). Cytogenetic location: 17q25.3.
Variant type: single nucleotide variant.
Coding change: c.2825G>C on transcript NM_004104.5 (MANE Select); coding-DNA position 2825, G replaced by C.
Protein change: p.Arg942Pro; replaces arginine 942 with proline.
Molecular consequence: missense variant.
Genome position (GRCh38, 1-based): chr17:82,087,995, C>G on the plus strand (G>C on the coding strand, the complement: FASN is on the minus strand). VCF-style: chr17-82087995-C-G. GRCh37 (hg19) VCF-style: chr17-80045871-C-G.
Other names: short protein forms R942P.
Identifiers: ClinVar variation 4712890 (VCV004712890.1).

ClinVar aggregate classification (germline): Uncertain significance (1 of 4 stars; one submission).

Conditions:
Epileptic encephalopathy. Identifiers: MedGen C0543888, HP:0200134.

Submission:

Labcorp Genetics (formerly Invitae), Labcorp
Classification: Uncertain significance for Epileptic encephalopathy. Last evaluated: 2025-04-10. Review status: criteria provided, single submitter. Criteria: Invitae Variant Classification Sherloc (09022015). Collection method: clinical testing. Allele origin: germline.
Comment: This sequence change replaces arginine, which is basic and polar, with proline, which is neutral and non-polar, at codon 942 of the FASN protein (p.Arg942Pro). This variant is not present in population databases (gnomAD no frequency). This variant has not been reported in the literature in individuals affected with FASN-related conditions. An algorithm developed to predict the effect of missense changes on protein structure and function (PolyPhen-2) suggests that this variant is likely to be tolerated. In summary, the available evidence is currently insufficient to determine the role of this variant in disease. Therefore, it has been classified as a Variant of Uncertain Significance.